The following is an entry in ClinVar:

NM_000632.4(ITGAM):c.2759C>T (p.Pro920Leu)

Gene: ITGAM (integrin subunit alpha M; plus strand). Cytogenetic location: 16p11.2.
Variant type: single nucleotide variant.
Coding change: c.2759C>T on transcript NM_000632.4 (MANE Select); coding-DNA position 2759, C replaced by T.
Protein change: p.Pro920Leu; replaces proline 920 with leucine.
Molecular consequence: missense variant.
Genome position (GRCh38, 1-based): chr16:31,328,197, C>T. VCF-style: chr16-31328197-C-T. GRCh37 (hg19) VCF-style: chr16-31339518-C-T.
Other names: c.2759C>T (NM_000632.3); c.2762C>T, p.Pro921Leu (NM_001145808.2); short protein forms P921L, P920L.
Identifiers: ClinVar variation 1445239 (VCV001445239.9), dbSNP rs553266817, ClinGen allele CA8025962.
Genomic context (GRCh38, chr16:31,328,197, plus strand): 5'-TTCCCTCCAGTGAGAACAACATGCCCAGAACCAACAAAACCGAATTCCAACTGGAGCTGC[C>T]GGTGAAATATGCTGTCTACATGGTGGTCACCAGGTGCTGGCTTCCAGGACTTTAGCTGAG-3'
Protein context (NP_000623.2, residues 910-930): TNKTEFQLEL[Pro920Leu]VKYAVYMVVT

ClinVar aggregate classification (germline): Uncertain significance. Review status: criteria provided, multiple submitters, no conflicts (2 of 4 stars). 2 submissions from 2 submitters: Uncertain significance (2). Last evaluated 2025-07-15.

gnomAD v4.1: 23 of 1,613,786 alleles (0.0014%); highest among the groups gnomAD compares: Admixed American, 0.0083%; no homozygotes.

Submissions (2):

Labcorp Genetics (formerly Invitae), Labcorp
Classification: Uncertain significance. Last evaluated: 2025-07-15. Review status: criteria provided, single submitter. Criteria: Invitae Variant Classification Sherloc (09022015). Collection method: clinical testing. Allele origin: germline.
Comment: This sequence change replaces proline, which is neutral and non-polar, with leucine, which is neutral and non-polar, at codon 920 of the ITGAM protein (p.Pro920Leu). This variant is present in population databases (rs553266817, gnomAD 0.01%). This variant has not been reported in the literature in individuals affected with ITGAM-related conditions. ClinVar contains an entry for this variant (Variation ID: 1445239). An algorithm developed to predict the effect of missense changes on protein structure and function (PolyPhen-2) suggests that this variant is likely to be disruptive. In summary, the available evidence is currently insufficient to determine the role of this variant in disease. Therefore, it has been classified as a Variant of Uncertain Significance.

Ambry Genetics
Classification: Uncertain significance. Last evaluated: 2025-05-14. Review status: criteria provided, single submitter. Criteria: Ambry Variant Classification Scheme 2023. Collection method: clinical testing. Allele origin: germline.